The following is an entry in ClinVar:

ClinVar aggregate classification (germline): Uncertain significance (1 of 4 stars; one submission).

Conditions:
Melanoma, cutaneous malignant, susceptibility to, 5. Also called: Cutaneous malignant melanoma 5. Identifiers: Orphanet 618, MedGen C2751295, MONDO:0013133, OMIM 613099.

Allele frequency attached by ClinVar (database versions not stated): gnomAD exomes below 0.00001.
gnomAD v4.1: 1 of 1,606,728 alleles (0.000062%); highest among the groups gnomAD compares: East Asian, 0.0022%; no homozygotes.

Submission:

Labcorp Genetics (formerly Invitae), Labcorp
Classification: Uncertain significance for Melanoma, cutaneous malignant, susceptibility to, 5. Last evaluated: 2022-04-21. Review status: criteria provided, single submitter. Criteria: Invitae Variant Classification Sherloc (09022015). Collection method: clinical testing. Allele origin: germline.
Comment: In summary, the available evidence is currently insufficient to determine the role of this variant in disease. Therefore, it has been classified as a Variant of Uncertain Significance. Algorithms developed to predict the effect of missense changes on protein structure and function (SIFT, PolyPhen-2, Align-GVGD) all suggest that this variant is likely to be tolerated. This variant has not been reported in the literature in individuals affected with MC1R-related conditions. This variant is present in population databases (no rsID available, gnomAD 0.006%). This sequence change replaces alanine, which is neutral and non-polar, with serine, which is neutral and polar, at codon 212 of the MC1R protein (p.Ala212Ser).

NM_002386.4(MC1R):c.634G>T (p.Ala212Ser)

Gene: MC1R (melanocortin 1 receptor; plus strand). Cytogenetic location: 16q24.3.
Variant type: single nucleotide variant.
Coding change: c.634G>T on transcript NM_002386.4 (MANE Select); coding-DNA position 634, G replaced by T.
Protein change: p.Ala212Ser; replaces alanine 212 with serine.
Molecular consequence: missense variant.
Genome position (GRCh38, 1-based): chr16:89,919,892, G>T. VCF-style: chr16-89919892-G-T. GRCh37 (hg19) VCF-style: chr16-89986300-G-T.
Other names: short protein forms A212S.
Identifiers: ClinVar variation 1963026 (VCV001963026.5), dbSNP rs1567758423, ClinGen allele CA397462483.